The following is an entry in ClinVar:

ClinVar aggregate classification (germline): Uncertain significance. Review status: criteria provided, multiple submitters, no conflicts (2 of 4 stars). 5 submissions from 5 submitters: Uncertain significance (3). 2 of the submissions do not count toward it. Last evaluated 2026-08-04.

Conditions:
PKD1-related disorder. Also called: PKD1-related condition.
Polycystic kidney disease, adult type (PKD1). Also called: POLYCYSTIC KIDNEY DISEASE, ADULT, TYPE I; POLYCYSTIC KIDNEY DISEASE 1 WITH OR WITHOUT POLYCYSTIC LIVER DISEASE; Polycystic Kidney Disease 1, Autosomal Dominant; Polycystic kidney disease 1; Polycystic kidney disease 1, severe; Polycystic Kidney, Autosomal Dominant. Identifiers: MedGen C3149841, MONDO:0008263, OMIM 173900.

Allele frequency attached by ClinVar (database versions not stated): gnomAD 0.00009 and 0.00011; ExAC 0.00011; 1000 Genomes Project 0.00020; TOPMed 0.00009; gnomAD exomes 0.00011; 1000 Genomes Project 30x 0.00016.
gnomAD v4.1: 146 of 1,599,214 alleles (0.0091%); highest among the groups gnomAD compares: South Asian, 0.026%; no homozygotes.

Submissions (5):

GeneDx
Classification: Uncertain significance. Last evaluated: 2026-08-04. Review status: criteria provided, single submitter. Criteria: GeneDx Variant Classification Process June 2021. Collection method: clinical testing. Allele origin: germline.
Comment: Reported with two PKD1 variants (phase unknown) in patient with polycystic kidney disease in published literature (PMID: 32398770); In silico analysis supports that this missense variant has a deleterious effect on protein structure/function; This variant is associated with the following publications: (PMID: 35982160, 35982159, 32398770, 39883360)

Women's Health and Genetics/Laboratory Corporation of America, LabCorp
Classification: Uncertain significance. Last evaluated: 2026-04-28. Review status: criteria provided, single submitter. Criteria: LabCorp Variant Classification Summary - May 2015. Collection method: clinical testing. Allele origin: germline.
Comment: Variant summary: PKD1 c.8611G>A (p.Ala2871Thr) results in a non-conservative amino acid change in the encoded protein sequence. Algorithms developed to predict the effect of missense changes on protein structure and function all suggest that this variant is likely to be disruptive. The variant allele was found at a frequency of 0.00011 in 232744 control chromosomes. This frequency is not significantly higher than estimated for disease-causing variants in PKD1, allowing no conclusion about variant significance. c.8611G>A has been observed in the triply heterozygous state (phasing uncertain) at least 1 individual(s) affected with clinical features of ADPKD (Schonauer_2020) and on at least 1 allele (genotypes not parsed by individual) in a cohort with ADPKD (example, Elhassan_2025), without strong evidence for causality. These report(s) do not provide unequivocal conclusions about association of the variant with PKD1-related conditions. To our knowledge, no experimental evidence demonstrating an impact on protein function has been reported. The following publications have been ascertained in the context of this evaluation (PMID: 32398770, 39883360). ClinVar contains an entry for this variant (Variation ID: 438716). Based on the evidence outlined above, the variant was classified as uncertain significance.

Athena Diagnostics
Classification: Uncertain significance. Last evaluated: 2018-07-25. Review status: criteria provided, single submitter. Criteria: Athena Diagnostics Criteria. Collection method: clinical testing. Allele origin: germline.

PreventionGenetics, part of Exact Sciences
Classification: Uncertain significance for PKD1-related condition. Last evaluated: 2024-01-04. Review status: no assertion criteria provided. Collection method: clinical testing. Allele origin: germline. Not counted in ClinVar's aggregate classification.
Comment: The PKD1 c.8611G>A variant is predicted to result in the amino acid substitution p.Ala2871Thr. This variant has been reported with uncertain significance in an individual with autosomal dominant polycystic kidney disease (ADPKD) who also carried a truncating and another missense PKD1 variant (Schönauer et al. 2020. PubMed ID: 32398770, Table S2 and S3). This variant has also been reported in individuals with autism spectrum disorders (ASD) in whom kidney function was not known/assessed (Zhou et al. 2022. PubMed ID: 35982159, Supplementary Data 1 as B:16:2153447:C:T:hg19; Fu et al. 2022. PubMed ID: 35982160, Supplementary Table 20 as B:16:2103446:C:T:hg38). This variant is reported in 0.036% of alleles in individuals of South Asian descent in gnomAD. At this time, the clinical significance of this variant is uncertain due to the absence of conclusive functional and genetic evidence.

Bioscientia Institut fuer Medizinische Diagnostik GmbH, Sonic Healthcare
Classification: Uncertain significance for Polycystic kidney disease, adult type. Last evaluated: 2017-04-20. Review status: no assertion criteria provided. Collection method: clinical testing. Allele origin: germline. Affected: yes. Not counted in ClinVar's aggregate classification.

Literature cited by the submitters: PubMed 32398770 (cited by Women's Health and Genetics/Laboratory Corporation of America, LabCorp); PubMed 39883360 (cited by Women's Health and Genetics/Laboratory Corporation of America, LabCorp).

NM_001009944.3(PKD1):c.8611G>A (p.Ala2871Thr)

Gene: PKD1 (polycystin 1, transient receptor potential channel interacting; minus strand). Cytogenetic location: 16p13.3.
Variant type: single nucleotide variant.
Coding change: c.8611G>A on transcript NM_001009944.3 (MANE Select); coding-DNA position 8611, G replaced by A.
Protein change: p.Ala2871Thr; replaces alanine 2871 with threonine.
Molecular consequence: missense variant.
Genome position (GRCh38, 1-based): chr16:2,103,446, C>T on the plus strand (G>A on the coding strand, the complement: PKD1 is on the minus strand). VCF-style: chr16-2103446-C-T. GRCh37 (hg19) VCF-style: chr16-2153447-C-T.
Other names: c.8611G>A, p.Ala2871Thr (NM_000296.4); short protein forms A2871T.
Identifiers: ClinVar variation 438716 (VCV000438716.12), dbSNP rs556305338, ClinGen allele CA7830452.